The following is an entry in ClinVar:

ClinVar aggregate classification (germline): Uncertain significance (1 of 4 stars; one submission).

Conditions:
Menkes kinky-hair syndrome (MNK). Also called: Classic Menkes Disease; Copper transport disease; Menkes Disease. Identifiers: Orphanet 565, MedGen C0022716, MONDO:0010651, OMIM 309400.
X-linked distal spinal muscular atrophy type 3. Also called: NEURONOPATHY, DISTAL HEREDITARY MOTOR, X-LINKED; NEUROPATHY, DISTAL HEREDITARY MOTOR, X-LINKED; ATP7A-Related Distal Motor Neuropathy; SPINAL MUSCULAR ATROPHY, DISTAL, X-LINKED RECESSIVE. Identifiers: Orphanet 139557, MedGen C1845359, MONDO:0010338, OMIM 300489.
Cutis laxa, X-linked (OHS). Also called: EDS IX; Occipital horn syndrome. Identifiers: Orphanet 198, MedGen C0268353, MONDO:0010572, OMIM 304150.

Allele frequency attached by ClinVar (database versions not stated): gnomAD exomes below 0.00001.
gnomAD v4.1: 2 of 1,211,461 alleles (0.00017%); highest among the groups gnomAD compares: South Asian, 0.0018%; no homozygotes.

Submission:

Labcorp Genetics (formerly Invitae), Labcorp
Classification: Uncertain significance for X-linked distal spinal muscular atrophy type 3; Cutis laxa, X-linked; Menkes kinky-hair syndrome. Last evaluated: 2023-04-29. Review status: criteria provided, single submitter. Criteria: Invitae Variant Classification Sherloc (09022015). Collection method: clinical testing. Allele origin: germline.
Comment: This sequence change replaces isoleucine, which is neutral and non-polar, with arginine, which is basic and polar, at codon 1440 of the ATP7A protein (p.Ile1440Arg). This variant is not present in population databases (gnomAD no frequency). This variant has not been reported in the literature in individuals affected with ATP7A-related conditions. ClinVar contains an entry for this variant (Variation ID: 1952037). Advanced modeling of protein sequence and biophysical properties (such as structural, functional, and spatial information, amino acid conservation, physicochemical variation, residue mobility, and thermodynamic stability) performed at Invitae indicates that this missense variant is not expected to disrupt ATP7A protein function. In summary, the available evidence is currently insufficient to determine the role of this variant in disease. Therefore, it has been classified as a Variant of Uncertain Significance.

NM_000052.7(ATP7A):c.4319T>G (p.Ile1440Arg)

Gene: ATP7A (ATPase copper transporting alpha; plus strand). Cytogenetic location: Xq21.1.
Variant type: single nucleotide variant.
Coding change: c.4319T>G on transcript NM_000052.7 (MANE Select); coding-DNA position 4319, T replaced by G.
Protein change: p.Ile1440Arg; replaces isoleucine 1440 with arginine.
Molecular consequence: missense variant. On other transcripts: non-coding transcript variant (1).
Genome position (GRCh38, 1-based): chrX:78,046,386, T>G. VCF-style: chrX-78046386-T-G. GRCh37 (hg19) VCF-style: chrX-77301883-T-G.
Other names: c.4085T>G, p.Ile1362Arg (NM_001282224.2); short protein forms I1362R, I1440R.
Identifiers: ClinVar variation 1952037 (VCV001952037.5), dbSNP rs2522427561, ClinGen allele CA413606166.
Genomic context (GRCh38, chrX:78,046,386, plus strand): 5'-TGCCTGCCCGGAGCCAGATAGGACAGAAGAGTCCTTCAGAAATCAGCGTTCATGTTGGAA[T>G]AGATGATACCTCAAGGAATTCTCCTAAACTGGGTTTGCTGGACCGGATTGTTAATTATAG-3'
Protein context (NP_000043.4, residues 1430-1450): SPSEISVHVG[Ile1440Arg]DDTSRNSPKL